The following is an entry in ClinVar:

NM_004655.4(AXIN2):c.348A>C (p.Gly116=)

Gene: AXIN2 (axin 2; minus strand). Cytogenetic location: 17q24.1.
Variant type: single nucleotide variant.
Coding change: c.348A>C on transcript NM_004655.4 (MANE Select); coding-DNA position 348, A replaced by C.
Protein change: p.Gly116=; no amino-acid change (glycine 116 retained).
Molecular consequence: synonymous variant.
Genome position (GRCh38, 1-based): chr17:65,558,273, T>G on the plus strand (A>C on the coding strand, the complement: AXIN2 is on the minus strand). VCF-style: chr17-65558273-T-G. GRCh37 (hg19) VCF-style: chr17-63554391-T-G.
Other names: c.348A>C, p.Gly116= (NM_001363813.1); c.348A>C (NM_004655.3).
Identifiers: ClinVar variation 1116477 (VCV001116477.11), dbSNP rs896845940, ClinGen allele CA293107219.
Genomic context (GRCh38, chr17:65,558,273, plus strand): 5'-TTTGTAGATCGCTTTGGCTACTCGTAAAGTTTTGGTATCCTTCAGGTTCATCTGCCTGAA[T>G]CCATTGCAGGCAAACCAGAAGTCTAAGGTATCCACGCATTTCTCCCTCTCCAGGAAAGTT-3'
Protein context (NP_004646.3, residues 106-126): DTLDFWFACN[Gly116=]FRQMNLKDTK

ClinVar aggregate classification (germline): Benign/Likely benign. Review status: criteria provided, multiple submitters, no conflicts (2 of 4 stars). 3 submissions from 3 submitters: Benign (1); Likely benign (2). Last evaluated 2026-01-20.

Conditions:
Hereditary cancer-predisposing syndrome. Also called: Hereditary Cancer Syndrome; Neoplastic Syndromes, Hereditary; Tumor predisposition; Hereditary neoplastic syndrome. Identifiers: Orphanet 140162, MedGen C0027672, MeSH D009386, MONDO:0015356.
Oligodontia-cancer predisposition syndrome. Also called: TOOTH AGENESIS-COLORECTAL CANCER SYNDROME. Identifiers: Orphanet 300576, MedGen C1837750, MONDO:0012075, OMIM 608615. Disease mechanism: loss of function.

Submissions (3):

Ambry Genetics
Classification: Likely benign for Hereditary cancer-predisposing syndrome. Last evaluated: 2026-01-20. Review status: criteria provided, single submitter. Criteria: Ambry Variant Classification Scheme 2023. Collection method: clinical testing. Allele origin: germline.

Myriad Genetics, Inc.
Classification: Benign for Oligodontia-cancer predisposition syndrome. Last evaluated: 2024-06-26. Review status: criteria provided, single submitter. Criteria: Myriad Autosomal Dominant, Autosomal Recessive and X-Linked Classification Criteria (2023). Collection method: clinical testing. Allele origin: unknown.
Comment: This variant is considered benign. This variant is a silent/synonymous amino acid change and it is not expected to impact splicing.

Labcorp Genetics (formerly Invitae), Labcorp
Classification: Likely benign for Oligodontia-cancer predisposition syndrome. Last evaluated: 2023-05-04. Review status: criteria provided, single submitter. Criteria: Invitae Variant Classification Sherloc (09022015). Collection method: clinical testing. Allele origin: germline.